The following is an entry in ClinVar:

NM_001201543.2(FAM161A):c.252C>T (p.Asn84=)

Gene: FAM161A (FAM161 centrosomal protein A; minus strand). Cytogenetic location: 2p15.
Variant type: single nucleotide variant.
Coding change: c.252C>T on transcript NM_001201543.2 (MANE Select); coding-DNA position 252, C replaced by T.
Protein change: p.Asn84=; no amino-acid change (asparagine 84 retained).
Molecular consequence: synonymous variant. On other transcripts: non-coding transcript variant (1).
Genome position (GRCh38, 1-based): chr2:61,842,292, G>A on the plus strand (C>T on the coding strand, the complement: FAM161A is on the minus strand). VCF-style: chr2-61842292-G-A. GRCh37 (hg19) VCF-style: chr2-62069427-G-A.
Other names: c.252C>T, p.Asn84= (NM_032180.3).
Identifiers: ClinVar variation 735428 (VCV000735428.14), dbSNP rs561697683, ClinGen allele CA1679395.

ClinVar aggregate classification (germline): Benign/Likely benign. Review status: criteria provided, multiple submitters, no conflicts (2 of 4 stars). 4 submissions from 4 submitters: Benign (1); Likely benign (1). 2 of the submissions do not count toward it. Last evaluated 2026-02-01.

Conditions:
Retinitis pigmentosa 28 (RP28). Identifiers: Orphanet 791, MedGen C1419614, MONDO:0011630, OMIM 606068.
FAM161A-related disorder. Also called: FAM161A-related condition.

Allele frequency attached by ClinVar (database versions not stated): gnomAD 0.00001 and 0.00002; gnomAD exomes 0.00005 and 0.00025; TOPMed 0.00013; ExAC 0.00037; 1000 Genomes Project 0.00040; 1000 Genomes Project 30x 0.00047.
gnomAD v4.1: 77 of 1,610,292 alleles (0.0048%); highest among the groups gnomAD compares: Admixed American, 0.12%; no homozygotes.

Submissions (4):

Labcorp Genetics (formerly Invitae), Labcorp
Classification: Benign. Last evaluated: 2026-02-01. Review status: criteria provided, single submitter. Criteria: Invitae Variant Classification Sherloc (09022015). Collection method: clinical testing. Allele origin: germline.

Blueprint Genetics
Classification: Likely benign. Last evaluated: 2022-08-26. Review status: criteria provided, single submitter. Criteria: ACMG Guidelines, 2015. Collection method: clinical testing. Allele origin: germline.

PreventionGenetics, part of Exact Sciences
Classification: Likely benign for FAM161A-related condition. Last evaluated: 2024-08-30. Review status: no assertion criteria provided. Collection method: clinical testing. Allele origin: germline. Not counted in ClinVar's aggregate classification.
Comment: This variant is classified as likely benign based on ACMG/AMP sequence variant interpretation guidelines (Richards et al. 2015 PMID: 25741868, with internal and published modifications).

Natera, Inc.
Classification: Uncertain significance for Retinitis pigmentosa type 28. Last evaluated: 2020-01-24. Review status: no assertion criteria provided. Collection method: clinical testing. Allele origin: germline. Not counted in ClinVar's aggregate classification.